The following is an entry in ClinVar:

ClinVar aggregate classification (germline): Uncertain significance. Review status: criteria provided, single submitter (1 of 4 stars). 2 submissions from 2 submitters: Uncertain significance (1). 1 of the submissions does not count toward it. Last evaluated 2015-11-25.

Conditions:
Autosomal recessive nonsyndromic hearing loss 77. Identifiers: Orphanet 90636, MedGen C2746083, MONDO:0013119, OMIM 613079.

Allele frequency attached by ClinVar (database versions not stated): gnomAD 0.00006; TOPMed 0.00006.
gnomAD v4.1: 13 of 1,531,504 alleles (0.00085%); highest among the groups gnomAD compares: African/African-American, 0.014%; no homozygotes.

Submissions (2):

Laboratory for Molecular Medicine, Mass General Brigham Personalized Medicine
Classification: Uncertain significance. Last evaluated: 2015-11-25. Review status: criteria provided, single submitter. Criteria: LMM Criteria. Collection method: clinical testing. Allele origin: germline. Observed: 1 variant allele.
Comment: The c.5214-7C>G variant in LOXHD1 has not been previously reported in individual s with hearing loss. Data from large population studies is insufficient to asses s the frequency of this variant. Computational tools suggest an impact to splici ng; however, this information is not predictive enough to determine pathogenicit y. In summary, the clinical significance of the c.5214-7C>G variant is uncertain .

Natera, Inc.
Classification: Uncertain significance for Autosomal recessive deafness type 77. Last evaluated: 2020-08-30. Review status: no assertion criteria provided. Collection method: clinical testing. Allele origin: germline. Not counted in ClinVar's aggregate classification.

NM_001384474.1(LOXHD1):c.5400-7C>G

Gene: LOXHD1 (lipoxygenase homology PLAT domains 1; minus strand). Cytogenetic location: 18q21.1.
Variant type: single nucleotide variant.
Coding change: c.5400-7C>G on transcript NM_001384474.1 (MANE Select); 7 bases into the intron before coding-DNA position 5400, C replaced by G.
Molecular consequence: intron variant.
Genome position (GRCh38, 1-based): chr18:46,509,822, G>C on the plus strand (C>G on the coding strand, the complement: LOXHD1 is on the minus strand). VCF-style: chr18-46509822-G-C. GRCh37 (hg19) VCF-style: chr18-44089785-G-C.
Other names: c.2067-7C>G (NM_001145472.3); c.1779-7C>G (NM_001308013.2); c.117-7C>G (NM_001173129.2, NM_001145473.3); c.5214-7C>G (NM_144612.7).
Identifiers: ClinVar variation 228832 (VCV000228832.5), dbSNP rs376131738, ClinGen allele CA10577067.